The following is an entry in ClinVar:

ClinVar aggregate classification (germline): Uncertain significance (1 of 4 stars; one submission).

Conditions:
Cardiovascular phenotype. Identifiers: MedGen CN230736.

Submission:

Ambry Genetics
Classification: Uncertain significance for Cardiovascular phenotype. Last evaluated: 2024-04-11. Review status: criteria provided, single submitter. Criteria: Ambry Variant Classification Scheme 2023. Collection method: clinical testing. Allele origin: germline.
Comment: The p.F3096I variant (also known as c.9286T>A), located in coding exon 2 of the ZNF469 gene, results from a T to A substitution at nucleotide position 9286. The phenylalanine at codon 3096 is replaced by isoleucine, an amino acid with highly similar properties. This amino acid position is conserved. In addition, the in silico prediction for this alteration is inconclusive. Based on the available evidence, the clinical significance of this variant remains unclear.

NM_001367624.2(ZNF469):c.9370T>A (p.Phe3124Ile)

Gene: ZNF469 (zinc finger protein 469; plus strand). Cytogenetic location: 16q24.2.
Variant type: single nucleotide variant.
Coding change: c.9370T>A on transcript NM_001367624.2 (MANE Select); coding-DNA position 9370, T replaced by A.
Protein change: p.Phe3124Ile; replaces phenylalanine 3124 with isoleucine.
Molecular consequence: missense variant.
Genome position (GRCh38, 1-based): chr16:88,436,840, T>A. VCF-style: chr16-88436840-T-A. GRCh37 (hg19) VCF-style: chr16-88503248-T-A.
Other names: NM_001127464.1:c.9286T>A; short protein forms F3124I.
Identifiers: ClinVar variation 3258235 (VCV003258235.1).